The following is an entry in ClinVar:

NC_000003.11:g.(?_128603476)_(128603609_?)del

Gene: ACAD9 (acyl-CoA dehydrogenase family member 9; plus strand). Cytogenetic location: 3q21.3.
Variant type: Deletion.
Identifiers: ClinVar variation 2425884 (VCV002425884.4).

ClinVar aggregate classification (germline): Pathogenic (1 of 4 stars; one submission).

Submission:

Labcorp Genetics (formerly Invitae), Labcorp
Classification: Pathogenic. Last evaluated: 2023-06-14. Review status: criteria provided, single submitter. Criteria: Invitae Variant Classification Sherloc (09022015). Collection method: clinical testing. Allele origin: germline.
Comment: For these reasons, this variant has been classified as Pathogenic. This variant has not been reported in the literature in individuals affected with ACAD9-related conditions. This variant is a gross deletion of the genomic region encompassing exon(s) 2 of the ACAD9 gene. This deletion is out-of-frame, and is expected to create a premature termination codon and result in an absent or disrupted protein product. Loss-of-function variants in ACAD9 are known to be pathogenic (PMID: 25721401).

Literature cited by the submitters: PubMed 25721401.